The following is an entry in ClinVar:

ClinVar aggregate classification (germline): Likely pathogenic (1 of 4 stars; one submission).

Conditions:
Medium-chain acyl-coenzyme A dehydrogenase deficiency (ACADMD). Also called: ACADM DEFICIENCY; CARNITINE DEFICIENCY SECONDARY TO MEDIUM-CHAIN ACYL-CoA DEHYDROGENASE DEFICIENCY; MCADH DEFICIENCY; MCADD; Medium chain acyl-CoA dehydrogenase deficiency; MCAD Deficiency. Identifiers: Orphanet 42, MedGen C0220710, MONDO:0008721, OMIM 201450.

Submission:

Natera, Inc.
Classification: Likely pathogenic for Medium Chain Acyl-CoA Dehydrogenase Deficiency. Last evaluated: 2025-03-20. Review status: criteria provided, single submitter. Criteria: Natera Variant Classification Schema (03/2026). Collection method: clinical testing. Allele origin: germline.
Comment: The c.8_9insCCGC variant in ACADM is a frameshift variant predicted to shift the reading frame beginning at codon 4 and leads to a stop codon 30 codons downstream. This variant is expected to result in nonsense mediated decay, truncation, or a dysfunctional protein product. This variant is rare in the general population with a frequency below the threshold expected for the associated phenotype(s). Given the available evidence, this variant is classified as Likely Pathogenic.

NM_000016.6(ACADM):c.8_9insCCGC (p.Gly4fs)

Gene: ACADM (acyl-CoA dehydrogenase medium chain; plus strand). Cytogenetic location: 1p31.1.
Variant type: Insertion.
Coding change: c.8_9insCCGC on transcript NM_000016.6 (MANE Select); coding-DNA positions 8 to 9, CCGC inserted.
Protein change: p.Gly4fs; shifts the reading frame from glycine 4.
Molecular consequence: frameshift variant. On other transcripts: 5 prime UTR variant (2).
Genome position: GRCh38 VCF-style: chr1-75724793-A-AGCCC. GRCh37 (hg19) VCF-style: chr1-76190478-A-AGCCC.
Other names: c.8_9insCCGC, p.Gly4fs (NM_001127328.3, NM_001286043.2); c.-13_-12insCCGC (NM_001286042.2); c.-290_-289insCCGC (NM_001286044.2); short protein forms G4fs.
Identifiers: ClinVar variation 4064593 (VCV004064593.2).